The following is an entry in ClinVar:

NM_001267550.2(TTN):c.21506A>G (p.Asn7169Ser)

Gene: TTN (titin; minus strand). Cytogenetic location: 2q31.2.
Variant type: single nucleotide variant.
Coding change: c.21506A>G on transcript NM_001267550.2 (MANE Select); coding-DNA position 21506, A replaced by G.
Protein change: p.Asn7169Ser; replaces asparagine 7169 with serine.
Molecular consequence: missense variant. On other transcripts: intron variant (3).
Genome position (GRCh38, 1-based): chr2:178,723,594, T>C on the plus strand (A>G on the coding strand, the complement: TTN is on the minus strand). VCF-style: chr2-178723594-T-C. GRCh37 (hg19) VCF-style: chr2-179588321-T-C.
Other names: c.20555A>G, p.Asn6852Ser (NM_001256850.1); c.17774A>G, p.Asn5925Ser (NM_133378.4); c.13282+14488A>G (NM_003319.4); c.13858+14488A>G (NM_133437.4); c.13657+14488A>G (NM_133432.3); c.21506A>G (NM_001267550.1); short protein forms N5925S, N7169S, N6852S.
Identifiers: ClinVar variation 192014 (VCV000192014.3), dbSNP rs786205314, ClinGen allele CA238105.

ClinVar aggregate classification (germline): Conflicting classifications of pathogenicity. Review status: criteria provided, conflicting classifications (1 of 4 stars). 3 submissions from 3 submitters: Uncertain significance (2); Likely benign (1). Last evaluated 2026-02-24.

gnomAD v4.1: 19 of 1,613,280 alleles (0.0012%); highest among the groups gnomAD compares: South Asian, 0.0066%; no homozygotes.

Submissions (3):

GeneDx
Classification: Uncertain significance. Last evaluated: 2026-02-24. Review status: criteria provided, single submitter. Criteria: GeneDx Variant Classification Process June 2021. Collection method: clinical testing. Allele origin: germline.
Comment: Has not been previously published as pathogenic or benign to our knowledge in association with a TTN-related disorder; Not observed at significant frequency in large population cohorts (gnomAD); Missense variant in a gene in which most reported pathogenic variants are truncating/loss of function; This variant is associated with the following publications: (PMID: 35982159)

Blueprint Genetics
Classification: Likely benign. Last evaluated: 2023-11-01. Review status: criteria provided, single submitter. Criteria: ACMG Guidelines, 2015. Collection method: clinical testing. Allele origin: germline.

Biesecker Lab/Clinical Genomics Section, National Institutes of Health
Classification: Uncertain significance. Last evaluated: 2013-06-24. Review status: criteria provided, single submitter. Criteria: Ng et al. (Circ Cardiovasc Genet. 2013). Collection method: research. Allele origin: unknown. Observed: 1 variant allele. Study: ClinSeq.
Comment: The study set was not selected for affection status in relation to any cancer. Pathogenicity categories were based on literature curation. See Pubmed ID:23861362 for details.

Medical sequencing